The following is an entry in ClinVar:

ClinVar aggregate classification (germline): Uncertain significance. Review status: criteria provided, multiple submitters, no conflicts (2 of 4 stars). 2 submissions from 2 submitters: Uncertain significance (2). Last evaluated 2022-10-13.

Conditions:
Inborn genetic diseases. Identifiers: MedGen C0950123, MeSH D030342.

Allele frequency attached by ClinVar (database versions not stated): gnomAD exomes below 0.00001; ExAC 0.00001.

Submissions (2):

Labcorp Genetics (formerly Invitae), Labcorp
Classification: Uncertain significance. Last evaluated: 2022-10-13. Review status: criteria provided, single submitter. Criteria: Invitae Variant Classification Sherloc (09022015). Collection method: clinical testing. Allele origin: germline.
Comment: This sequence change replaces glycine, which is neutral and non-polar, with arginine, which is basic and polar, at codon 1987 of the ABCA4 protein (p.Gly1987Arg). This variant is present in population databases (rs777300047, gnomAD 0.006%). This variant has not been reported in the literature in individuals affected with ABCA4-related conditions. ClinVar contains an entry for this variant (Variation ID: 1039388). Advanced modeling of protein sequence and biophysical properties (such as structural, functional, and spatial information, amino acid conservation, physicochemical variation, residue mobility, and thermodynamic stability) performed at Invitae indicates that this missense variant is expected to disrupt ABCA4 protein function. In summary, the available evidence is currently insufficient to determine the role of this variant in disease. Therefore, it has been classified as a Variant of Uncertain Significance.

Ambry Genetics
Classification: Uncertain significance for Inborn genetic diseases. Last evaluated: 2022-06-01. Review status: criteria provided, single submitter. Criteria: Ambry Variant Classification Scheme 2023. Collection method: clinical testing. Allele origin: germline.

NM_000350.3(ABCA4):c.5959G>A (p.Gly1987Arg)

Gene: ABCA4 (ATP binding cassette subfamily A member 4; minus strand). Cytogenetic location: 1p22.1.
Variant type: single nucleotide variant.
Coding change: c.5959G>A on transcript NM_000350.3 (MANE Select); coding-DNA position 5959, G replaced by A.
Protein change: p.Gly1987Arg; replaces glycine 1987 with arginine.
Molecular consequence: missense variant.
Genome position (GRCh38, 1-based): chr1:94,007,680, C>T on the plus strand (G>A on the coding strand, the complement: ABCA4 is on the minus strand). VCF-style: chr1-94007680-C-T. GRCh37 (hg19) VCF-style: chr1-94473236-C-T.
Other names: c.5737G>A, p.Gly1913Arg (NM_001425324.1); short protein forms G1987R, G1913R.
Identifiers: ClinVar variation 1039388 (VCV001039388.7), dbSNP rs777300047, ClinGen allele CA957058.